The following is an entry in ClinVar:

ClinVar aggregate classification (germline): Uncertain significance (1 of 4 stars; one submission).

Allele frequency attached by ClinVar (database versions not stated): gnomAD exomes below 0.00001; ExAC 0.00001; gnomAD 0.00003.
gnomAD v4.1: 11 of 1,613,926 alleles (0.00068%); highest among the groups gnomAD compares: Admixed American, 0.005%; no homozygotes.

Submission:

GeneDx
Classification: Uncertain significance. Last evaluated: 2023-03-24. Review status: criteria provided, single submitter. Criteria: GeneDx Variant Classification Process June 2021. Collection method: clinical testing. Allele origin: germline. Affected: yes.
Comment: Not observed at significant frequency in large population cohorts (gnomAD); In silico analysis supports that this missense variant has a deleterious effect on protein structure/function; Has not been previously published as pathogenic or benign to our knowledge

NM_015466.4(PTPN23):c.949G>A (p.Asp317Asn)

Gene: PTPN23 (protein tyrosine phosphatase non-receptor type 23; plus strand). Cytogenetic location: 3p21.31.
Variant type: single nucleotide variant.
Coding change: c.949G>A on transcript NM_015466.4 (MANE Select); coding-DNA position 949, G replaced by A.
Protein change: p.Asp317Asn; replaces aspartic acid 317 with asparagine.
Molecular consequence: missense variant.
Genome position (GRCh38, 1-based): chr3:47,407,530, G>A. VCF-style: chr3-47407530-G-A. GRCh37 (hg19) VCF-style: chr3-47449020-G-A.
Other names: c.571G>A, p.Asp191Asn (NM_001304482.2); short protein forms D191N, D317N.
Identifiers: ClinVar variation 2580690 (VCV002580690.1), dbSNP rs768465983, ClinGen allele CA2365580.